The following is an entry in ClinVar:

NM_000256.3(MYBPC3):c.1790+5G>A

Gene: MYBPC3 (myosin binding protein C3; minus strand). Cytogenetic location: 11p11.2.
Variant type: single nucleotide variant.
Coding change: c.1790+5G>A on transcript NM_000256.3 (MANE Select); 5 bases into the intron after coding-DNA position 1790, G replaced by A.
Molecular consequence: intron variant.
Genome position (GRCh38, 1-based): chr11:47,341,986, C>T on the plus strand (G>A on the coding strand, the complement: MYBPC3 is on the minus strand). VCF-style: chr11-47341986-C-T. GRCh37 (hg19) VCF-style: chr11-47363537-C-T.
Identifiers: ClinVar variation 178851 (VCV000178851.8), dbSNP rs727504489, ClinGen allele CA011121.

ClinVar aggregate classification (germline): Uncertain significance. Review status: criteria provided, multiple submitters, no conflicts (2 of 4 stars). 2 submissions from 2 submitters: Uncertain significance (2). Last evaluated 2023-10-22.

Conditions:
Hypertrophic cardiomyopathy. Also called: HYPERTROPHIC MYOCARDIOPATHY. Identifiers: Orphanet 217569, MedGen C0007194, MeSH D002312, MONDO:0005045, HP:0001639.

Submissions (2):

Labcorp Genetics (formerly Invitae), Labcorp
Classification: Uncertain significance for Hypertrophic cardiomyopathy. Last evaluated: 2023-10-22. Review status: criteria provided, single submitter. Criteria: Invitae Variant Classification Sherloc (09022015). Collection method: clinical testing. Allele origin: germline.
Comment: This sequence change falls in intron 18 of the MYBPC3 gene. It does not directly change the encoded amino acid sequence of the MYBPC3 protein. It affects a nucleotide within the consensus splice site. This variant is not present in population databases (gnomAD no frequency). This variant has been observed in individual(s) with hypertrophic cardiomyopathy (PMID: 27841901, 28679633). ClinVar contains an entry for this variant (Variation ID: 178851). Variants that disrupt the consensus splice site are a relatively common cause of aberrant splicing (PMID: 17576681, 9536098). Algorithms developed to predict the effect of sequence changes on RNA splicing suggest that this variant may disrupt the consensus splice site. In summary, the available evidence is currently insufficient to determine the role of this variant in disease. Therefore, it has been classified as a Variant of Uncertain Significance.

Laboratory for Molecular Medicine, Mass General Brigham Personalized Medicine
Classification: Uncertain significance. Last evaluated: 2013-04-03. Review status: criteria provided, single submitter. Criteria: LMM Criteria. Collection method: clinical testing. Allele origin: germline. Observed: 1 variant allele.
Comment: Variant classified as Uncertain Significance - Favor Pathogenic. The 1790+5G>A v ariant in MYBPC3 has not been reported in the literature nor previously identifi ed by our laboratory. This variant has also not been identified in large Europea n American and African American populations by the NHLBI Exome Sequencing Projec t, though it may be present in other populati ons. This variant is located in the 5' splice region. Computational tools sugges t a possible impact to splicing, though this information is not predictive enoug h to determine pathogenicity. Additional information is needed to fully assess t he clinical significance of this variant.

Literature cited by the submitters: PubMed 27841901 (cited by Labcorp Genetics (formerly Invitae), Labcorp); PubMed 28679633 (cited by Labcorp Genetics (formerly Invitae), Labcorp and Laboratory for Molecular Medicine, Mass General Brigham Personalized Medicine); PubMed 17576681 (cited by Labcorp Genetics (formerly Invitae), Labcorp); PubMed 9536098 (cited by Labcorp Genetics (formerly Invitae), Labcorp).